The following is an entry in ClinVar:

NM_001347886.2(DNAH3):c.419_420del (p.Lys140fs)

Gene: DNAH3 (dynein axonemal heavy chain 3; minus strand). Cytogenetic location: 16p12.3.
Variant type: Deletion.
Coding change: c.419_420del on transcript NM_001347886.2 (MANE Select); coding-DNA positions 419 to 420, 2 bases deleted (AA; older notation c.419_420delAA).
Protein change: p.Lys140fs; shifts the reading frame from lysine 140.
Molecular consequence: frameshift variant.
Genome position (GRCh38, 1-based): chr16:21,141,314-21,141,315, TT deleted on the plus strand (AA on the coding strand, the reverse complement: DNAH3 is on the minus strand); deleting any 2 consecutive bases within chr16:21,141,314-21,141,316 gives the same sequence; the c. name uses the placement nearest the transcript's 3' end. VCF-style (leftmost placement, unchanged base first): chr16-21141313-CTT-C. GRCh37 (hg19) VCF-style: chr16-21152634-CTT-C.
Other names: c.419_420del, p.Lys140fs (NM_001394581.1); c.506_507del, p.Lys169fs (NM_017539.2); short protein forms K140fs, K169fs.
Identifiers: ClinVar variation 3774626 (VCV003774626.1).

ClinVar aggregate classification (germline): Uncertain significance (1 of 4 stars; one submission).

Submission:

GeneDx
Classification: Uncertain significance. Last evaluated: 2023-08-10. Review status: criteria provided, single submitter. Criteria: GeneDx Variant Classification Process June 2021. Collection method: clinical testing. Allele origin: germline. Affected: yes.
Comment: Frameshift variant predicted to result in protein truncation or nonsense mediated decay in a gene or region of a gene for which loss of function is not a well-established mechanism of disease; Has not been previously published as pathogenic or benign to our knowledge; Variants in candidate genes are classified as variants of uncertain significance in accordance with ACMG guidelines (Richards et al., 2015)